The following is an entry in ClinVar:

ClinVar aggregate classification (germline): Uncertain significance. Review status: criteria provided, multiple submitters, no conflicts (2 of 4 stars). 4 submissions from 4 submitters: Uncertain significance (4). Last evaluated 2025-06-15.

Conditions:
Hereditary cancer-predisposing syndrome. Also called: Hereditary Cancer Syndrome; Neoplastic Syndromes, Hereditary; Tumor predisposition; Hereditary neoplastic syndrome. Identifiers: Orphanet 140162, MedGen C0027672, MeSH D009386, MONDO:0015356.
Tuberous sclerosis 2 (TSC2). Identifiers: Orphanet 805, MedGen C1860707, MONDO:0013199, OMIM 613254.

Allele frequency attached by ClinVar (database versions not stated): TOPMed below 0.00001.

Submissions (4):

Labcorp Genetics (formerly Invitae), Labcorp
Classification: Uncertain significance for Tuberous sclerosis 2. Last evaluated: 2025-06-15. Review status: criteria provided, single submitter. Criteria: Invitae Variant Classification Sherloc (09022015). Collection method: clinical testing. Allele origin: germline.
Comment: This sequence change replaces aspartic acid, which is acidic and polar, with glycine, which is neutral and non-polar, at codon 1424 of the TSC2 protein (p.Asp1424Gly). This variant is not present in population databases (gnomAD no frequency). This variant has not been reported in the literature in individuals affected with TSC2-related conditions. ClinVar contains an entry for this variant (Variation ID: 232699). Invitae Evidence Modeling of protein sequence and biophysical properties (such as structural, functional, and spatial information, amino acid conservation, physicochemical variation, residue mobility, and thermodynamic stability) indicates that this missense variant is not expected to disrupt TSC2 protein function with a negative predictive value of 95%. Algorithms developed to predict the effect of sequence changes on RNA splicing suggest that this variant may create or strengthen a splice site. In summary, the available evidence is currently insufficient to determine the role of this variant in disease. Therefore, it has been classified as a Variant of Uncertain Significance.

Ambry Genetics
Classification: Uncertain significance for Hereditary cancer-predisposing syndrome. Last evaluated: 2024-06-11. Review status: criteria provided, single submitter. Criteria: Ambry Variant Classification Scheme 2023. Collection method: clinical testing. Allele origin: germline.
Comment: The p.D1424G variant (also known as c.4271A>G), located in coding exon 33 of the TSC2 gene, results from an A to G substitution at nucleotide position 4271. The aspartic acid at codon 1424 is replaced by glycine, an amino acid with similar properties. This amino acid position is not well conserved in available vertebrate species. In addition, the in silico prediction for this alteration is inconclusive. Based on the available evidence, the clinical significance of this variant remains unclear.

GeneDx
Classification: Uncertain significance. Last evaluated: 2022-03-02. Review status: criteria provided, single submitter. Criteria: GeneDx Variant Classification Process June 2021. Collection method: clinical testing. Allele origin: germline. Affected: yes.
Comment: Not observed at significant frequency in large population cohorts (gnomAD); In silico analysis, which includes splice predictors and evolutionary conservation, suggests this variant may impact gene splicing. In the absence of RNA/functional studies, the actual effect of this sequence change is unknown.; In silico analysis supports that this missense variant does not alter protein structure/function; Has not been previously published as pathogenic or benign to our knowledge

Genome-Nilou Lab
Classification: Uncertain significance for Tuberous sclerosis 2. Last evaluated: 2021-11-07. Review status: criteria provided, single submitter. Criteria: ACMG Guidelines, 2015. Collection method: clinical testing. Allele origin: germline. Affected: no.

NM_000548.5(TSC2):c.4271A>G (p.Asp1424Gly)

Gene: TSC2 (TSC complex subunit 2; plus strand). Cytogenetic location: 16p13.3.
Variant type: single nucleotide variant.
Coding change: c.4271A>G on transcript NM_000548.5 (MANE Select); coding-DNA position 4271, A replaced by G.
Protein change: p.Asp1424Gly; replaces aspartic acid 1424 with glycine.
Molecular consequence: missense variant.
Genome position (GRCh38, 1-based): chr16:2,084,493, A>G. VCF-style: chr16-2084493-A-G. GRCh37 (hg19) VCF-style: chr16-2134494-A-G.
Other names: c.4070A>G, p.Asp1357Gly (NM_001077183.3); c.4202A>G, p.Asp1401Gly (NM_001114382.3); c.3962A>G, p.Asp1321Gly (NM_001318827.2); c.3926A>G, p.Asp1309Gly (NM_001318829.2); c.3539A>G, p.Asp1180Gly (NM_001318831.2); c.4103A>G, p.Asp1368Gly (NM_001318832.2); c.4073A>G, p.Asp1358Gly (NM_001363528.2); c.4139A>G, p.Asp1380Gly (NM_001370404.1); and 1 more; short protein forms D1424G, D1309G, D1380G, D1401G, D1357G, D1381G, D1321G, D1358G.
Identifiers: ClinVar variation 232699 (VCV000232699.19), dbSNP rs876659933, ClinGen allele CA10579900.
Genomic context (GRCh38, chr16:2,084,493, plus strand): 5'-AGGCCGACGTGGGCCGGCTGAGCCCTGAGGTTAAGGCCCGGTCACAGTCAGGGACCCTGG[A>G]CGGGGAAAGTGCTGCCTGGTCGGCCTCGGGCGAAGACAGTCGGGGCCAGCCCGAGGGTCC-3'
Protein context (NP_000539.2, residues 1414-1434): VKARSQSGTL[Asp1424Gly]GESAAWSASG